The following is an entry in ClinVar:

NM_001170629.2(CHD8):c.7094G>A (p.Trp2365Ter)

Gene: CHD8 (chromodomain helicase DNA binding protein 8; minus strand). Cytogenetic location: 14q11.2.
Variant type: single nucleotide variant.
Coding change: c.7094G>A on transcript NM_001170629.2 (MANE Select); coding-DNA position 7094, G replaced by A.
Protein change: p.Trp2365Ter; replaces tryptophan 2365 with a stop codon.
Molecular consequence: nonsense.
Genome position (GRCh38, 1-based): chr14:21,391,035, C>T on the plus strand (G>A on the coding strand, the complement: CHD8 is on the minus strand). VCF-style: chr14-21391035-C-T. GRCh37 (hg19) VCF-style: chr14-21859194-C-T.
Other names: c.6257G>A, p.Trp2086Ter (NM_020920.4); short protein forms W2086*, W2365*.
Identifiers: ClinVar variation 1027362 (VCV001027362.3), dbSNP rs752374375, ClinGen allele CA388876904.

ClinVar aggregate classification (germline): Likely pathogenic (1 of 4 stars; one submission).

Conditions:
Intellectual developmental disorder with autism and macrocephaly. Also called: CHD8-Related Neurodevelopmental Disorder with Overgrowth; Autism, susceptibility to, 18. Identifiers: Orphanet 642675, MedGen C3554373, MONDO:0014017, OMIM 615032.

gnomAD v4.1: 1 of 1,593,478 alleles (0.000063%); highest among the groups gnomAD compares: Non-Finnish European, 0.000086%; no homozygotes.

Submission:

Institute of Human Genetics, University of Goettingen
Classification: Likely pathogenic for Intellectual developmental disorder with autism and macrocephaly. Last evaluated: 2020-08-27. Review status: criteria provided, single submitter. Criteria: ACMG Guidelines, 2015. Collection method: clinical testing. Allele origin: germline. Affected: yes. Observed: 1 variant allele, 1 heterozygote.
Comment: This variant was found within clinical testing. It is absent from gnomAD and is predicted to be damaging. This variant is not described elsewhere, but it fits to the symptoms of the patient. In summary and using ACMG criteria PVS1, PM2 we classify this variant as Likely Pathogenic.